The following is an entry in ClinVar:

ClinVar aggregate classification (germline): Pathogenic (1 of 4 stars; one submission).

Submission:

Labcorp Genetics (formerly Invitae), Labcorp
Classification: Pathogenic. Last evaluated: 2023-08-14. Review status: criteria provided, single submitter. Criteria: Invitae Variant Classification Sherloc (09022015). Collection method: clinical testing. Allele origin: germline.
Comment: This sequence change creates a premature translational stop signal (p.Ser588*) in the CNGB3 gene. It is expected to result in an absent or disrupted protein product. Loss-of-function variants in CNGB3 are known to be pathogenic (PMID: 28795510). This variant is not present in population databases (gnomAD no frequency). This variant has not been reported in the literature in individuals affected with CNGB3-related conditions. Algorithms developed to predict the effect of sequence changes on RNA splicing suggest that this variant may disrupt the consensus splice site. For these reasons, this variant has been classified as Pathogenic.

Literature cited by the submitters: PubMed 28795510.

NM_019098.5(CNGB3):c.1763C>A (p.Ser588Ter)

Gene: CNGB3 (cyclic nucleotide gated channel subunit beta 3; minus strand). Cytogenetic location: 8q21.3.
Variant type: single nucleotide variant.
Coding change: c.1763C>A on transcript NM_019098.5 (MANE Select); coding-DNA position 1763, C replaced by A.
Protein change: p.Ser588Ter; replaces serine 588 with a stop codon.
Molecular consequence: nonsense.
Genome position (GRCh38, 1-based): chr8:86,604,111, G>T on the plus strand (C>A on the coding strand, the complement: CNGB3 is on the minus strand). VCF-style: chr8-86604111-G-T. GRCh37 (hg19) VCF-style: chr8-87616339-G-T.
Other names: short protein forms S588*.
Identifiers: ClinVar variation 2752440 (VCV002752440.3), dbSNP rs748166954, ClinGen allele CA371449018.